The following is an entry in ClinVar:

NM_001195518.2(MICU1):c.736-5A>G

Gene: MICU1 (mitochondrial calcium uptake 1; minus strand). Cytogenetic location: 10q22.1.
Variant type: single nucleotide variant.
Coding change: c.736-5A>G on transcript NM_001195518.2 (MANE Select); 5 bases into the intron before coding-DNA position 736, A replaced by G.
Molecular consequence: intron variant.
Genome position (GRCh38, 1-based): chr10:72,475,302, T>C on the plus strand (A>G on the coding strand, the complement: MICU1 is on the minus strand). VCF-style: chr10-72475302-T-C. GRCh37 (hg19) VCF-style: chr10-74235060-T-C.
Other names: c.742-5A>G (NM_006077.4); c.754-5A>G (NM_001363513.2); c.142-5A>G (NM_001195519.2).
Identifiers: ClinVar variation 682108 (VCV000682108.6), dbSNP rs548452475, ClinGen allele CA5550160.

ClinVar aggregate classification (germline): Likely benign. Review status: criteria provided, multiple submitters, no conflicts (2 of 4 stars). 2 submissions from 2 submitters: Likely benign (2). Last evaluated 2025-08-30.

Allele frequency attached by ClinVar (database versions not stated): gnomAD exomes 0.00001 and 0.00002; ExAC 0.00003; gnomAD 0.00003 and 0.00004; TOPMed 0.00003; 1000 Genomes Project 30x 0.00016; 1000 Genomes Project 0.00020.
gnomAD v4.1: 16 of 1,587,846 alleles (0.001%); highest among the groups gnomAD compares: Admixed American, 0.009%; no homozygotes.

Submissions (2):

Labcorp Genetics (formerly Invitae), Labcorp
Classification: Likely benign. Last evaluated: 2025-08-30. Review status: criteria provided, single submitter. Criteria: Invitae Variant Classification Sherloc (09022015). Collection method: clinical testing. Allele origin: germline.

GeneDx
Classification: Likely benign. Last evaluated: 2018-05-03. Review status: criteria provided, single submitter. Criteria: GeneDx Variant Classification (06012015). Collection method: clinical testing. Allele origin: germline. Affected: yes.
Comment: This variant is considered likely benign or benign based on one or more of the following criteria: it is a conservative change, it occurs at a poorly conserved position in the protein, it is predicted to be benign by multiple in silico algorithms, and/or has population frequency not consistent with disease.